The following is an entry in ClinVar:

ClinVar aggregate classification (germline): Likely pathogenic (1 of 4 stars; one submission).

Conditions:
Catecholaminergic polymorphic ventricular tachycardia 1. Also called: VENTRICULAR TACHYCARDIA, CATECHOLAMINERGIC POLYMORPHIC, 1, WITH OR WITHOUT ATRIAL DYSFUNCTION AND/OR DILATED CARDIOMYOPATHY; VENTRICULAR TACHYCARDIA, STRESS-INDUCED POLYMORPHIC 1; RYR2-Related Catecholaminergic Polymorphic Ventricular Tachycardia. Identifiers: Orphanet 3286, MedGen C1631597, MONDO:0011484, OMIM 604772.

Submission:

Centre for Mendelian Genomics, University Medical Centre Ljubljana
Classification: Likely pathogenic for Catecholaminergic polymorphic ventricular tachycardia 1. Last evaluated: 2020-03-24. Review status: criteria provided, single submitter. Criteria: ACMG Guidelines, 2015. Collection method: clinical testing. Allele origin: unknown. Affected: yes.
Comment: This variant was classified as: Likely pathogenic. The following ACMG criteria were applied in classifying this variant: PVS1,PM2.

NM_001035.3(RYR2):c.10209dup (p.Ile3404fs)

Gene: RYR2 (ryanodine receptor 2; plus strand). Cytogenetic location: 1q43.
Variant type: Duplication.
Coding change: c.10209dup on transcript NM_001035.3 (MANE Select); coding-DNA position 10209, one base duplicated (T; older notation c.10209dupT).
Protein change: p.Ile3404fs; shifts the reading frame from isoleucine 3404.
Molecular consequence: frameshift variant.
Genome position (GRCh38, 1-based): chr1:237,709,546, T duplicated; the last of 3 consecutive T bases (chr1:237,709,544-237,709,546); duplicating any one gives the same sequence. VCF-style (leftmost placement, unchanged base first): chr1-237709543-G-GT. GRCh37 (hg19) VCF-style: chr1-237872843-G-GT.
Other names: short protein forms I3404fs.
Identifiers: ClinVar variation 931781 (VCV000931781.3), dbSNP rs1688657241, ClinGen allele CA1139656685.